The following is an entry in ClinVar:

NM_032638.5(GATA2):c.1006A>G (p.Lys336Glu)

Gene: GATA2 (GATA binding protein 2; minus strand). Cytogenetic location: 3q21.3.
Variant type: single nucleotide variant.
Coding change: c.1006A>G on transcript NM_032638.5 (MANE Select); coding-DNA position 1006, A replaced by G.
Protein change: p.Lys336Glu; replaces lysine 336 with glutamic acid.
Molecular consequence: missense variant.
Genome position (GRCh38, 1-based): chr3:128,483,871, T>C on the plus strand (A>G on the coding strand, the complement: GATA2 is on the minus strand). VCF-style: chr3-128483871-T-C. GRCh37 (hg19) VCF-style: chr3-128202714-T-C.
Other names: c.1006A>G, p.Lys336Glu (NM_001145661.2, NM_001145662.1); short protein forms K336E.
Identifiers: ClinVar variation 1026685 (VCV001026685.9), dbSNP rs2068661125, ClinGen allele CA354404254.
Genomic context (GRCh38, chr3:128,483,871, plus strand): 5'-CCAGCTCCTGCCCAGCAGCCCCCTCCCAGCCACCTGTGCCCGCTCCTACCAGTCTTCGCT[T>C]GGGCTTGATGAGTGGTCGGTTCTGCCCATTCATCTTGTGGTAGAGGCCACAGGCATTGCA-3'
Protein context (NP_116027.2, residues 326-346): NGQNRPLIKP[Lys336Glu]RRLSAARRAG

ClinVar aggregate classification (germline): Uncertain significance (1 of 4 stars; one submission).

Conditions:
Deafness-lymphedema-leukemia syndrome. Also called: Emberger syndrome; Lymphedema, primary, with myelodysplasia. Identifiers: Orphanet 3226, MedGen C3279664, MONDO:0013540, OMIM 614038.
Monocytopenia with susceptibility to infections. Also called: MONOCYTOPENIA AND MYCOBACTERIAL INFECTION SYNDROME; MONOCYTOPENIA WITH SUSCEPTIBILITY TO MYCOBACTERIAL, FUNGAL, AND PAPILLOMAVIRUS INFECTIONS AND MYELODYSPLASIA; COMBINED IMMUNODEFICIENCY WITH SUSCEPTIBILITY TO MYCOBACTERIAL, VIRAL, AND FUNGAL INFECTIONS; IMMUNODEFICIENCY 21; GATA2 DEFICIENCY; Dendritic cell, monocyte, B lymphocyte, and natural killer lymphocyte deficiency. Identifiers: Orphanet 228423, MedGen C3280030, MONDO:0013607, OMIM 614172.

Submission:

Labcorp Genetics (formerly Invitae), Labcorp
Classification: Uncertain significance for Monocytopenia with susceptibility to infections; Deafness-lymphedema-leukemia syndrome. Last evaluated: 2020-02-10. Review status: criteria provided, single submitter. Criteria: Invitae Variant Classification Sherloc (09022015). Collection method: clinical testing. Allele origin: germline.
Comment: Algorithms developed to predict the effect of missense changes on protein structure and function are either unavailable or do not agree on the potential impact of this missense change (SIFT: "Deleterious"; PolyPhen-2: "Probably Damaging"; Align-GVGD: "Class C0"). In summary, the available evidence is currently insufficient to determine the role of this variant in disease. Therefore, it has been classified as a Variant of Uncertain Significance. This sequence change replaces lysine with glutamic acid at codon 336 of the GATA2 protein (p.Lys336Glu). The lysine residue is highly conserved and there is a small physicochemical difference between lysine and glutamic acid. This variant has not been reported in the literature in individuals with GATA2-related conditions. This variant is not present in population databases (ExAC no frequency).